The following is an entry in ClinVar:

ClinVar aggregate classification (germline): Likely benign. Review status: criteria provided, single submitter (1 of 4 stars). 2 submissions from 2 submitters: Likely benign (1). 1 of the submissions does not count toward it. Last evaluated 2026-01-24.

Conditions:
FRAS1-related disorder. Also called: FRAS1-related condition.

Allele frequency attached by ClinVar (database versions not stated): 1000 Genomes Project 30x 0.00016; 1000 Genomes Project 0.00020.
gnomAD v4.1: 48 of 1,581,934 alleles (0.003%); highest among the groups gnomAD compares: African/African-American, 0.044%; no homozygotes.

Submissions (2):

Labcorp Genetics (formerly Invitae), Labcorp
Classification: Likely benign. Last evaluated: 2026-01-24. Review status: criteria provided, single submitter. Criteria: Invitae Variant Classification Sherloc (09022015). Collection method: clinical testing. Allele origin: germline.

PreventionGenetics, part of Exact Sciences
Classification: Likely benign for FRAS1-related condition. Last evaluated: 2019-07-24. Review status: no assertion criteria provided. Collection method: clinical testing. Allele origin: germline. Not counted in ClinVar's aggregate classification.
Comment: This variant is classified as likely benign based on ACMG/AMP sequence variant interpretation guidelines (Richards et al. 2015 PMID: 25741868, with internal and published modifications).

NM_025074.7(FRAS1):c.5205C>T (p.His1735=)

Gene: FRAS1 (Fraser extracellular matrix complex subunit 1; plus strand). Cytogenetic location: 4q21.21.
Variant type: single nucleotide variant.
Coding change: c.5205C>T on transcript NM_025074.7 (MANE Select); coding-DNA position 5205, C replaced by T.
Protein change: p.His1735=; no amino-acid change (histidine 1735 retained).
Molecular consequence: synonymous variant.
Genome position (GRCh38, 1-based): chr4:78,432,592, C>T. VCF-style: chr4-78432592-C-T. GRCh37 (hg19) VCF-style: chr4-79353746-C-T.
Other names: c.5205C>T (NM_025074.6); c.5205C>T, p.His1735= (NM_001166133.2).
Identifiers: ClinVar variation 2414170 (VCV002414170.7), dbSNP rs533608491, ClinGen allele CA2977441.